The following is an entry in ClinVar:

NM_033305.3(VPS13A):c.6971A>G (p.His2324Arg)

Gene: VPS13A (vacuolar protein sorting 13 homolog A; plus strand). Cytogenetic location: 9q21.2.
Variant type: single nucleotide variant.
Coding change: c.6971A>G on transcript NM_033305.3 (MANE Select); coding-DNA position 6971, A replaced by G.
Protein change: p.His2324Arg; replaces histidine 2324 with arginine.
Molecular consequence: missense variant.
Genome position (GRCh38, 1-based): chr9:77,340,495, A>G. VCF-style: chr9-77340495-A-G. GRCh37 (hg19) VCF-style: chr9-79955411-A-G.
Other names: c.6854A>G, p.His2285Arg (NM_001018037.2); c.6971A>G, p.His2324Arg (NM_001018038.3, NM_015186.4); c.6971A>G (NM_033305.2); short protein forms H2285R, H2324R.
Identifiers: ClinVar variation 2139387 (VCV002139387.5), dbSNP rs140512096, ClinGen allele CA5093174.
Genomic context (GRCh38, chr9:77,340,495, plus strand): 5'-ACATTACTAGAATTGTGACATTTACCCCTTTTTATATGATTAAAAACAAAAGCAAATACC[A>G]TATATCAGTGGCTGAAGAAGGAAATGATAAATGGCTCTCTCTTGATTTGGAGCAGGTGGG-3'
Protein context (NP_150648.2, residues 2314-2334): FYMIKNKSKY[His2324Arg]ISVAEEGNDK

ClinVar aggregate classification (germline): Conflicting classifications of pathogenicity. Review status: criteria provided, conflicting classifications (1 of 4 stars). 4 submissions from 4 submitters: Uncertain significance (2); Likely benign (2). Last evaluated 2026-10-09.

Conditions:
Inborn genetic diseases. Identifiers: MedGen C0950123, MeSH D030342.

Allele frequency attached by ClinVar (database versions not stated): gnomAD 0.00003; TOPMed 0.00004; ExAC 0.00005; gnomAD exomes 0.00005; ESP Exome Variant Server 0.00008.
gnomAD v4.1: 79 of 1,613,398 alleles (0.0049%); highest among the groups gnomAD compares: Middle Eastern, 0.034%; no homozygotes.

Submissions (4):

GeneDx
Classification: Uncertain significance. Last evaluated: 2026-10-09. Review status: criteria provided, single submitter. Criteria: GeneDx Variant Classification Process June 2021. Collection method: clinical testing. Allele origin: germline.
Comment: In silico analysis suggests that this missense variant does not alter protein structure/function; Has not been previously published as pathogenic or benign to our knowledge

Blueprint Genetics
Classification: Likely benign. Last evaluated: 2024-11-22. Review status: criteria provided, single submitter. Criteria: ACMG Guidelines, 2015. Collection method: clinical testing. Allele origin: germline.

Ambry Genetics
Classification: Likely benign for Inborn genetic diseases. Last evaluated: 2024-04-23. Review status: criteria provided, single submitter. Criteria: Ambry Variant Classification Scheme 2023. Collection method: clinical testing. Allele origin: germline.

Labcorp Genetics (formerly Invitae), Labcorp
Classification: Uncertain significance. Last evaluated: 2022-11-01. Review status: criteria provided, single submitter. Criteria: Invitae Variant Classification Sherloc (09022015). Collection method: clinical testing. Allele origin: germline.
Comment: This sequence change replaces histidine, which is basic and polar, with arginine, which is basic and polar, at codon 2324 of the VPS13A protein (p.His2324Arg). This variant is present in population databases (rs140512096, gnomAD 0.02%). This variant has not been reported in the literature in individuals affected with VPS13A-related conditions. Advanced modeling of protein sequence and biophysical properties (such as structural, functional, and spatial information, amino acid conservation, physicochemical variation, residue mobility, and thermodynamic stability) performed at Invitae indicates that this missense variant is expected to disrupt VPS13A protein function. In summary, the available evidence is currently insufficient to determine the role of this variant in disease. Therefore, it has been classified as a Variant of Uncertain Significance.